The following is an entry in ClinVar:

ClinVar aggregate classification (germline): Uncertain significance (1 of 4 stars; one submission).

Conditions:
Cone-rod dystrophy 6 (CORD6). Also called: RETINAL CONE DYSTROPHY 2; Cone dystrophy progressive. Identifiers: Orphanet 1872, MedGen C1866293, MONDO:0011143, OMIM 601777.
Leber congenital amaurosis 1 (LCA1). Also called: Congenital absence of the rods and cones; Leber's congenital tapetoretinal degeneration; Leber's congenital tapetoretinal dysplasia; RETINAL BLINDNESS, CONGENITAL; AMAUROSIS CONGENITA OF LEBER I. Identifiers: Orphanet 65, MedGen C2931258, MONDO:0008764, OMIM 204000.

Allele frequency attached by ClinVar (database versions not stated): TOPMed below 0.00001; gnomAD 0.00001.

Submission:

Labcorp Genetics (formerly Invitae), Labcorp
Classification: Uncertain significance for Leber congenital amaurosis 1; Cone-rod dystrophy 6. Last evaluated: 2022-07-18. Review status: criteria provided, single submitter. Criteria: Invitae Variant Classification Sherloc (09022015). Collection method: clinical testing. Allele origin: germline.
Comment: In summary, the available evidence is currently insufficient to determine the role of this variant in disease. Therefore, it has been classified as a Variant of Uncertain Significance. This variant has not been reported in the literature in individuals affected with GUCY2D-related conditions. Algorithms developed to predict the effect of missense changes on protein structure and function output the following: SIFT: "Tolerated"; PolyPhen-2: "Benign"; Align-GVGD: "Class C0". The glycine amino acid residue is found in multiple mammalian species, which suggests that this missense change does not adversely affect protein function. ClinVar contains an entry for this variant (Variation ID: 1362251). This variant is not present in population databases (gnomAD no frequency). This sequence change replaces serine, which is neutral and polar, with glycine, which is neutral and non-polar, at codon 549 of the GUCY2D protein (p.Ser549Gly).

NM_000180.4(GUCY2D):c.1645A>G (p.Ser549Gly)

Gene: GUCY2D (guanylate cyclase 2D, retinal; plus strand). Cytogenetic location: 17p13.1.
Variant type: single nucleotide variant.
Coding change: c.1645A>G on transcript NM_000180.4 (MANE Select); coding-DNA position 1645, A replaced by G.
Protein change: p.Ser549Gly; replaces serine 549 with glycine.
Molecular consequence: missense variant.
Genome position (GRCh38, 1-based): chr17:8,008,009, A>G. VCF-style: chr17-8008009-A-G. GRCh37 (hg19) VCF-style: chr17-7911327-A-G.
Other names: short protein forms S549G.
Identifiers: ClinVar variation 1362251 (VCV001362251.6), dbSNP rs1243599161, ClinGen allele CA397949852.